The following is an entry in ClinVar:

NM_002907.4(RECQL):c.950-6C>G

Gene: RECQL (RecQ like helicase; minus strand). Cytogenetic location: 12p12.1.
Variant type: single nucleotide variant.
Coding change: c.950-6C>G on transcript NM_002907.4 (MANE Select); 6 bases into the intron before coding-DNA position 950, C replaced by G.
Molecular consequence: intron variant.
Genome position (GRCh38, 1-based): chr12:21,475,830, G>C on the plus strand (C>G on the coding strand, the complement: RECQL is on the minus strand). VCF-style: chr12-21475830-G-C. GRCh37 (hg19) VCF-style: chr12-21628764-G-C.
Other names: c.950-6C>G (NM_032941.3, NM_002907.3).
Identifiers: ClinVar variation 1433007 (VCV001433007.7), dbSNP rs977857067, ClinGen allele CA233569611.
Genomic context (GRCh38, chr12:21,475,830, plus strand): 5'-TGCAAACTAACCGTAACTTGTTCAGAGTCTTTCTGAGAAAAACAATATATGATTCCTGCA[G>C]TAAAATATGTGCATTTGTTAGATAGATATGGCATATTCCTGGAAGATGGTTTTCAACACA-3'

ClinVar aggregate classification (germline): Uncertain significance. Review status: criteria provided, multiple submitters, no conflicts (2 of 4 stars). 2 submissions from 2 submitters: Uncertain significance (2). Last evaluated 2025-05-12.

Allele frequency attached by ClinVar (database versions not stated): gnomAD exomes below 0.00001 and 0.00001; gnomAD 0.00001 and 0.00002; TOPMed 0.00002.
gnomAD v4.1: 13 of 1,606,714 alleles (0.00081%); highest among the groups gnomAD compares: Non-Finnish European, 0.0011%; no homozygotes.

Submissions (2):

Quest Diagnostics Nichols Institute San Juan Capistrano
Classification: Uncertain significance. Last evaluated: 2025-05-12. Review status: criteria provided, single submitter. Criteria: Quest Diagnostics criteria. Collection method: clinical testing. Allele origin: unknown.
Comment: The RECQL c.950-6C>G variant has not been reported in individuals with RECQL-related conditions in the published literature. The frequency of this variant in the general population (Genome Aggregation Database) is uninformative in the assessment of its pathogenicity. Analysis of this variant using software algorithms for the prediction of the effect of nucleotide changes on splicing yielded predictions that this variant may affect proper RECQL mRNA splicing. Based on the available information, we are unable to determine the clinical significance of this variant.

Labcorp Genetics (formerly Invitae), Labcorp
Classification: Uncertain significance. Last evaluated: 2021-09-06. Review status: criteria provided, single submitter. Criteria: Invitae Variant Classification Sherloc (09022015). Collection method: clinical testing. Allele origin: germline.
Comment: This sequence change falls in intron 8 of the RECQL gene. It does not directly change the encoded amino acid sequence of the RECQL protein. This variant is not present in population databases (ExAC no frequency). This variant has not been reported in the literature in individuals affected with RECQL-related conditions. Algorithms developed to predict the effect of sequence changes on RNA splicing suggest that this variant may disrupt the consensus splice site. In summary, the available evidence is currently insufficient to determine the role of this variant in disease. Therefore, it has been classified as a Variant of Uncertain Significance.